The following is an entry in ClinVar:

ClinVar aggregate classification (germline): Uncertain significance (1 of 4 stars; one submission).

Conditions:
Tay-Sachs disease, variant AB. Also called: Gm2-gangliosidosis, ab variant; GM2 Activator Deficiency. Identifiers: Orphanet 309246, MedGen C0268275, MONDO:0010099, OMIM 272750.

gnomAD v4.1: 2 of 1,613,920 alleles (0.00012%); highest among the groups gnomAD compares: Non-Finnish European, 0.00017%; no homozygotes.

Submission:

Labcorp Genetics (formerly Invitae), Labcorp
Classification: Uncertain significance for Tay-Sachs disease, variant AB. Last evaluated: 2022-03-11. Review status: criteria provided, single submitter. Criteria: Invitae Variant Classification Sherloc (09022015). Collection method: clinical testing. Allele origin: germline.
Comment: This variant has not been reported in the literature in individuals affected with GM2A-related conditions. This variant is not present in population databases (gnomAD no frequency). This sequence change replaces leucine, which is neutral and non-polar, with glutamine, which is neutral and polar, at codon 4 of the GM2A protein (p.Leu4Gln). ClinVar contains an entry for this variant (Variation ID: 836689). In summary, the available evidence is currently insufficient to determine the role of this variant in disease. Therefore, it has been classified as a Variant of Uncertain Significance. Algorithms developed to predict the effect of missense changes on protein structure and function output the following: SIFT: "Tolerated"; PolyPhen-2: "Not Available"; Align-GVGD: "Class C0". The glutamine amino acid residue is found in multiple mammalian species, which suggests that this missense change does not adversely affect protein function.

NM_000405.5(GM2A):c.11T>A (p.Leu4Gln)

Gene: GM2A (ganglioside GM2 activator; plus strand). Cytogenetic location: 5q33.1.
Variant type: single nucleotide variant.
Coding change: c.11T>A on transcript NM_000405.5 (MANE Select); coding-DNA position 11, T replaced by A.
Protein change: p.Leu4Gln; replaces leucine 4 with glutamine.
Molecular consequence: missense variant.
Genome position (GRCh38, 1-based): chr5:151,253,227, T>A. VCF-style: chr5-151253227-T-A. GRCh37 (hg19) VCF-style: chr5-150632788-T-A.
Other names: c.11T>A, p.Leu4Gln (NM_001167607.3); short protein forms L4Q.
Identifiers: ClinVar variation 836689 (VCV000836689.7), dbSNP rs762676667, ClinGen allele CA361805361.